The following is an entry in ClinVar:

NM_006766.5(KAT6A):c.3321AGA[1] (p.Glu1108_Glu1109del)

Gene: KAT6A (lysine acetyltransferase 6A; minus strand). Cytogenetic location: 8p11.21.
Variant type: Microsatellite.
Coding change: c.3321AGA[1] on transcript NM_006766.5 (MANE Select); one copy of the 3-base unit AGA starting at c.3321; the reference has three copies in a row; two copies, 6 bases deleted.
Protein change: p.Glu1108_Glu1109del.
Molecular consequence: inframe deletion.
Genome position (GRCh38, 1-based): chr8:41,937,279-41,937,284, TCTTCT deleted on the plus strand (AGAAGA on the coding strand, the reverse complement: KAT6A is on the minus strand); deleting any 6 consecutive bases within chr8:41,937,279-41,937,289 gives the same sequence; the position shown is the placement nearest the transcript's 3' end. VCF-style (leftmost placement, unchanged base first): chr8-41937278-ATCTTCT-A. GRCh37 (hg19) VCF-style: chr8-41794796-ATCTTCT-A.
Identifiers: ClinVar variation 1943470 (VCV001943470.5), dbSNP rs3837198, ClinGen allele CA581575185.

ClinVar aggregate classification (germline): Uncertain significance (1 of 4 stars; one submission).

Submission:

Labcorp Genetics (formerly Invitae), Labcorp
Classification: Uncertain significance. Last evaluated: 2025-01-24. Review status: criteria provided, single submitter. Criteria: Invitae Variant Classification Sherloc (09022015). Collection method: clinical testing. Allele origin: germline.
Comment: This variant, c.3324_3329del, results in the deletion of 2 amino acid(s) of the KAT6A protein (p.Glu1108_Glu1109del), but otherwise preserves the integrity of the reading frame. This variant is present in population databases (no rsID available, gnomAD 0.007%). This variant has not been reported in the literature in individuals affected with KAT6A-related conditions. Experimental studies and prediction algorithms are not available or were not evaluated, and the functional significance of this variant is currently unknown. In summary, the available evidence is currently insufficient to determine the role of this variant in disease. Therefore, it has been classified as a Variant of Uncertain Significance.